The following is an entry in ClinVar:

NM_152419.3(HGSNAT):c.493+809T>C

Gene: HGSNAT (heparan-alpha-glucosaminide N-acetyltransferase; plus strand). Cytogenetic location: 8p11.21.
Variant type: single nucleotide variant.
Coding change: c.493+809T>C on transcript NM_152419.3 (MANE Select); 809 bases into the intron after coding-DNA position 493, T replaced by C.
Molecular consequence: intron variant.
Genome position (GRCh38, 1-based): chr8:43,159,853, T>C. VCF-style: chr8-43159853-T-C. GRCh37 (hg19) VCF-style: chr8-43014996-T-C.
Other names: c.493+809T>C (NM_001363227.2, NM_001363228.2); c.-341+809T>C (NM_001363229.2).
Identifiers: ClinVar variation 974787 (VCV000974787.4), dbSNP rs1042066401, ClinGen allele CA176058580.
Genomic context (GRCh38, chr8:43,159,853, plus strand): 5'-AGGGATCATTCATTATCTAATAACCCCACTGAAGAAAATCTGCCATTCGGAACTCCCTAT[T>C]AGGTAACAATGTATGTGCTGCCTTTTGAAAGGCAGTAACAAATCCCTGTGGTGTGAACAA-3'

ClinVar aggregate classification (germline): Conflicting classifications of pathogenicity. Review status: criteria provided, conflicting classifications (1 of 4 stars). 2 submissions from 2 submitters: Pathogenic (1); Uncertain significance (1). Last evaluated 2025-10-14.

Conditions:
Mucopolysaccharidosis, MPS-III-C (MPS3C). Also called: MPS IIIC (Sanfilippo Syndrome Type C); MUCOPOLYSACCHARIDOSIS, TYPE IIIC; Mucopolysaccharidosis type IIIC (Sanfilippo C); mucopolysaccharidosis type 3C; SANFILIPPO SYNDROME C; MPS III C. Identifiers: Orphanet 581, Orphanet 79271, MedGen C0086649, MONDO:0009657, OMIM 252930.
HGSNAT-related disorder. Also called: HGSNAT-related condition.

Allele frequency attached by ClinVar (database versions not stated): gnomAD 0.00001; TOPMed 0.00002.
gnomAD v4.1: 2 of 152,136 alleles (0.0013%); highest among the groups gnomAD compares: Non-Finnish European, 0.0029%; no homozygotes.

Submissions (2):

PreventionGenetics, part of Exact Sciences
Classification: Uncertain significance for HGSNAT-related condition. Last evaluated: 2025-10-14. Review status: criteria provided, single submitter. Criteria: ACMG Guidelines, 2015. Collection method: clinical testing. Allele origin: germline.
Comment: The HGSNAT c.493+809T>C variant is predicted to interfere with splicing. This variant was reported in the compound heterozygous state in 2 siblings with mucopolysaccharidosis IIIC (Xiao et al. 2022. PubMed ID: 35848209). This variant is predicted to alter splicing based on available splicing prediction programs (SpliceAI, Jaganathan et al. 2019. PubMed ID: 30661751). This variant is reported in 0.0065% of alleles in individuals of European (Non-Finnish) descent in gnomAD. Although we suspect that this variant may be pathogenic, at this time, the clinical significance of this variant is uncertain due to the absence of conclusive functional and genetic evidence.

Undiagnosed Diseases Network, NIH
Classification: Pathogenic for Mucopolysaccharidosis, MPS-III-C. Last evaluated: 2020-02-07. Review status: criteria provided, single submitter. Criteria: ACMG Guidelines, 2015. Collection method: clinical testing. Allele origin: maternal. Inheritance: Autosomal recessive inheritance. Affected: yes. Observed: 1 variant allele, 1 compound heterozygote. Study: Undiagnosed Diseases Network (NIH), UDN.